The following is an entry in ClinVar:

NM_015047.3(EMC1):c.1783-2A>G

Genes: EMC1 (ER membrane protein complex subunit 1; minus strand), EMC1-AS1 (EMC1 antisense RNA 1; plus strand). Cytogenetic location: 1p36.13.
Variant type: single nucleotide variant.
Coding change: c.1783-2A>G on transcript NM_015047.3 (MANE Select); the canonical splice acceptor site of the intron before coding-DNA position 1783, A replaced by G.
Molecular consequence: splice acceptor variant.
Genome position (GRCh38, 1-based): chr1:19,231,424, T>C on the plus strand (A>G on the coding strand, the complement: EMC1 is on the minus strand). VCF-style: chr1-19231424-T-C. GRCh37 (hg19) VCF-style: chr1-19557918-T-C.
Other names: c.1717-2A>G (NM_001271429.2); c.1780-2A>G (NM_001271427.2, NM_001271428.2); c.1789-2A>G (NM_001375821.1); c.1792-2A>G (NM_001375820.1).
Identifiers: ClinVar variation 1468521 (VCV001468521.6), dbSNP rs2151947969, ClinGen allele CA338760107.

ClinVar aggregate classification (germline): Likely pathogenic (1 of 4 stars; one submission).

Submission:

Labcorp Genetics (formerly Invitae), Labcorp
Classification: Likely pathogenic. Last evaluated: 2021-06-30. Review status: criteria provided, single submitter. Criteria: Invitae Variant Classification Sherloc (09022015). Collection method: clinical testing. Allele origin: germline.
Comment: In summary, the currently available evidence indicates that the variant is pathogenic, but additional data are needed to prove that conclusively. Therefore, this variant has been classified as Likely Pathogenic. Algorithms developed to predict the effect of sequence changes on RNA splicing suggest that this variant may disrupt the consensus splice site. This variant has not been reported in the literature in individuals affected with EMC1-related conditions. This variant is not present in population databases (ExAC no frequency). This sequence change affects an acceptor splice site in intron 15 of the EMC1 gene. It is expected to disrupt RNA splicing. Variants that disrupt the donor or acceptor splice site typically lead to a loss of protein function (PMID: 16199547), and loss-of-function variants in EMC1 are known to be pathogenic (PMID: 26572623, 26942288, 29271071).

Literature cited by the submitters: PubMed 16199547; PubMed 26572623; PubMed 26942288; PubMed 29271071.